The following is an entry in ClinVar:

NM_001369369.1(FOXN1):c.411G>A (p.Glu137=)

Gene: FOXN1 (forkhead box N1; plus strand). Cytogenetic location: 17q11.2.
Variant type: single nucleotide variant.
Coding change: c.411G>A on transcript NM_001369369.1 (MANE Select); coding-DNA position 411, G replaced by A.
Protein change: p.Glu137=; no amino-acid change (glutamic acid 137 retained).
Molecular consequence: synonymous variant.
Genome position (GRCh38, 1-based): chr17:28,524,790, G>A. VCF-style: chr17-28524790-G-A. GRCh37 (hg19) VCF-style: chr17-26851808-G-A.
Other names: c.411G>A, p.Glu137= (NM_003593.3).
Identifiers: ClinVar variation 1141794 (VCV001141794.31), dbSNP rs760960446, ClinGen allele CA8459221.

ClinVar aggregate classification (germline): Likely benign. Review status: criteria provided, multiple submitters, no conflicts (2 of 4 stars). 2 submissions from 2 submitters: Likely benign (2). Last evaluated 2025-08-06.

Conditions:
T-cell immunodeficiency, congenital alopecia, and nail dystrophy. Also called: Congenital alopecia and nail dystrophy associated with severe functional T-cell immunodeficiency; Pignata Guarino syndrome. Identifiers: Orphanet 169095, MedGen C1866426, MONDO:0011132, OMIM 601705.

Allele frequency attached by ClinVar (database versions not stated): TOPMed 0.00001; ExAC 0.00002; gnomAD exomes 0.00002 and 0.00004.
gnomAD v4.1: 61 of 1,613,590 alleles (0.0038%); highest among the groups gnomAD compares: Non-Finnish European, 0.0049%; no homozygotes.

Submissions (2):

Labcorp Genetics (formerly Invitae), Labcorp
Classification: Likely benign for T-cell immunodeficiency, congenital alopecia, and nail dystrophy. Last evaluated: 2025-08-06. Review status: criteria provided, single submitter. Criteria: Invitae Variant Classification Sherloc (09022015). Collection method: clinical testing. Allele origin: germline.

CeGaT Center for Human Genetics Tuebingen
Classification: Likely benign. Last evaluated: 2022-11-01. Review status: criteria provided, single submitter. Criteria: CeGaT Center For Human Genetics Tuebingen Variant Classification Criteria Version 2. Collection method: clinical testing. Allele origin: germline. Affected: yes. Observed: 1 variant allele.
Comment: FOXN1: BP4